The following is an entry in ClinVar:

ClinVar aggregate classification (germline): Likely benign (0 of 4 stars; one submission).

Conditions:
ROBO2-related disorder. Also called: ROBO2-related condition.

Allele frequency attached by ClinVar (database versions not stated): gnomAD exomes below 0.00001; TOPMed below 0.00001; ExAC 0.00003.
gnomAD v4.1: 5 of 1,607,452 alleles (0.00031%); highest among the groups gnomAD compares: Non-Finnish European, 0.00042%; no homozygotes.

Submission:

PreventionGenetics, part of Exact Sciences
Classification: Likely benign for ROBO2-related condition. Last evaluated: 2022-04-29. Review status: no assertion criteria provided. Collection method: clinical testing. Allele origin: germline.
Comment: This variant is classified as likely benign based on ACMG/AMP sequence variant interpretation guidelines (Richards et al. 2015 PMID: 25741868, with internal and published modifications).

NM_001395656.1(ROBO2):c.618C>A (p.Thr206=)

Gene: ROBO2 (roundabout guidance receptor 2; plus strand). Cytogenetic location: 3p12.3.
Variant type: single nucleotide variant.
Coding change: c.618C>A on transcript NM_001395656.1 (MANE Select); coding-DNA position 618, C replaced by A.
Protein change: p.Thr206=; no amino-acid change (threonine 206 retained).
Molecular consequence: synonymous variant. On other transcripts: 5 prime UTR variant (1).
Genome position (GRCh38, 1-based): chr3:77,481,170, C>A. VCF-style: chr3-77481170-C-A. GRCh37 (hg19) VCF-style: chr3-77530321-C-A.
Other names: c.666C>A, p.Thr222= (NM_001128929.3, NM_001378190.1, NM_001378191.1 and 5 more transcripts); c.618C>A, p.Thr206= (NM_001290039.2, NM_001290040.2, NM_001378193.1 and 3 more transcripts); c.-1301C>A (NM_001290065.2); c.687C>A, p.Thr229= (NM_001378192.1, NM_001378194.1, NM_001378198.1 and 5 more transcripts).
Identifiers: ClinVar variation 3044782 (VCV003044782.2), dbSNP rs745573128, ClinGen allele CA2496776.
Genomic context (GRCh38, chr3:77,481,170, plus strand): 5'-AAAACTGATGATCTCCAATACCAGGAAAAGTGATGCAGGGATGTATACTTGTGTTGGTAC[C>A]AATATGGTGGGAGAAAGGGACAGTGACCCAGCAGAGCTGACTGTCTTTGGTAAAACTTTC-3'
Protein context (NP_001382585.1, residues 196-216): SDAGMYTCVG[Thr206=]NMVGERDSDP